The following continues an entry in ClinVar:

NM_006565.4(CTCF):c.1164C>T (p.Ser388=)

Gene: CTCF. ClinVar aggregate classification (germline): Benign. Benign (3).

Submissions 34 to 69 of 92:

Dr. Peter K. Rogan Lab, Western University
No classification provided (evidence only). Condition: Colorectal cancer. Review status: no classification provided. Collection method: in vitro. Allele origin: not applicable. Functional consequence: retained intron. Not counted in ClinVar's aggregate classification.

Dr. Peter K. Rogan Lab, Western University
No classification provided (evidence only). Condition: Colorectal cancer. Review status: no classification provided. Collection method: in vitro. Allele origin: not applicable. Functional consequence: retained intron. Not counted in ClinVar's aggregate classification.

Dr. Peter K. Rogan Lab, Western University
No classification provided (evidence only). Condition: Thyroid cancer, nonmedullary, 1. Review status: no classification provided. Collection method: in vitro. Allele origin: not applicable. Functional consequence: retained intron. Not counted in ClinVar's aggregate classification.

Dr. Peter K. Rogan Lab, Western University
No classification provided (evidence only). Condition: Thyroid cancer, nonmedullary, 1. Review status: no classification provided. Collection method: in vitro. Allele origin: not applicable. Functional consequence: retained intron. Not counted in ClinVar's aggregate classification.

Dr. Peter K. Rogan Lab, Western University
No classification provided (evidence only). Condition: Thyroid cancer, nonmedullary, 1. Review status: no classification provided. Collection method: in vitro. Allele origin: not applicable. Functional consequence: retained intron. Not counted in ClinVar's aggregate classification.

Dr. Peter K. Rogan Lab, Western University
No classification provided (evidence only). Condition: Thyroid cancer, nonmedullary, 1. Review status: no classification provided. Collection method: in vitro. Allele origin: not applicable. Functional consequence: retained intron. Not counted in ClinVar's aggregate classification.

Dr. Peter K. Rogan Lab, Western University
No classification provided (evidence only). Condition: Thyroid cancer, nonmedullary, 1. Review status: no classification provided. Collection method: in vitro. Allele origin: not applicable. Functional consequence: skipped exon, retained intron. Not counted in ClinVar's aggregate classification.

Dr. Peter K. Rogan Lab, Western University
No classification provided (evidence only). Condition: Thyroid cancer, nonmedullary, 1. Review status: no classification provided. Collection method: in vitro. Allele origin: not applicable. Functional consequence: retained intron. Not counted in ClinVar's aggregate classification.

Dr. Peter K. Rogan Lab, Western University
No classification provided (evidence only). Condition: Thyroid cancer, nonmedullary, 1. Review status: no classification provided. Collection method: in vitro. Allele origin: not applicable. Functional consequence: retained intron. Not counted in ClinVar's aggregate classification.

Dr. Peter K. Rogan Lab, Western University
No classification provided (evidence only). Condition: Thyroid cancer, nonmedullary, 1. Review status: no classification provided. Collection method: in vitro. Allele origin: not applicable. Functional consequence: retained intron. Not counted in ClinVar's aggregate classification.

Dr. Peter K. Rogan Lab, Western University
No classification provided (evidence only). Condition: Thyroid cancer, nonmedullary, 1. Review status: no classification provided. Collection method: in vitro. Allele origin: not applicable. Functional consequence: retained intron. Not counted in ClinVar's aggregate classification.

Dr. Peter K. Rogan Lab, Western University
No classification provided (evidence only). Condition: Thyroid cancer, nonmedullary, 1. Review status: no classification provided. Collection method: in vitro. Allele origin: not applicable. Functional consequence: retained intron. Not counted in ClinVar's aggregate classification.

Dr. Peter K. Rogan Lab, Western University
No classification provided (evidence only). Condition: Thyroid cancer, nonmedullary, 1. Review status: no classification provided. Collection method: in vitro. Allele origin: not applicable. Functional consequence: retained intron. Not counted in ClinVar's aggregate classification.

Dr. Peter K. Rogan Lab, Western University
No classification provided (evidence only). Condition: Thyroid cancer, nonmedullary, 1. Review status: no classification provided. Collection method: in vitro. Allele origin: not applicable. Functional consequence: retained intron. Not counted in ClinVar's aggregate classification.

Dr. Peter K. Rogan Lab, Western University
No classification provided (evidence only). Condition: Thyroid cancer, nonmedullary, 1. Review status: no classification provided. Collection method: in vitro. Allele origin: not applicable. Functional consequence: retained intron. Not counted in ClinVar's aggregate classification.

Dr. Peter K. Rogan Lab, Western University
No classification provided (evidence only). Condition: Thyroid cancer, nonmedullary, 1. Review status: no classification provided. Collection method: in vitro. Allele origin: not applicable. Functional consequence: retained intron. Not counted in ClinVar's aggregate classification.

Dr. Peter K. Rogan Lab, Western University
No classification provided (evidence only). Condition: Uterine corpus endometrial carcinoma. Review status: no classification provided. Collection method: in vitro. Allele origin: not applicable. Functional consequence: retained intron. Not counted in ClinVar's aggregate classification.

Dr. Peter K. Rogan Lab, Western University
No classification provided (evidence only). Condition: Uterine corpus endometrial carcinoma. Review status: no classification provided. Collection method: in vitro. Allele origin: not applicable. Functional consequence: retained intron. Not counted in ClinVar's aggregate classification.

Dr. Peter K. Rogan Lab, Western University
No classification provided (evidence only). Condition: Uterine corpus endometrial carcinoma. Review status: no classification provided. Collection method: in vitro. Allele origin: not applicable. Functional consequence: retained intron. Not counted in ClinVar's aggregate classification.

Dr. Peter K. Rogan Lab, Western University
No classification provided (evidence only). Condition: Cervical cancer. Review status: no classification provided. Collection method: in vitro. Allele origin: not applicable. Functional consequence: skipped exon, retained intron. Not counted in ClinVar's aggregate classification.

Dr. Peter K. Rogan Lab, Western University
No classification provided (evidence only). Condition: Cervical cancer. Review status: no classification provided. Collection method: in vitro. Allele origin: not applicable. Functional consequence: retained intron. Not counted in ClinVar's aggregate classification.

Dr. Peter K. Rogan Lab, Western University
No classification provided (evidence only). Condition: Cervical cancer. Review status: no classification provided. Collection method: in vitro. Allele origin: not applicable. Functional consequence: skipped exon, retained intron. Not counted in ClinVar's aggregate classification.

Dr. Peter K. Rogan Lab, Western University
No classification provided (evidence only). Condition: Cervical cancer. Review status: no classification provided. Collection method: in vitro. Allele origin: not applicable. Functional consequence: retained intron. Not counted in ClinVar's aggregate classification.

Dr. Peter K. Rogan Lab, Western University
No classification provided (evidence only). Condition: Sarcoma. Review status: no classification provided. Collection method: in vitro. Allele origin: not applicable. Functional consequence: retained intron. Not counted in ClinVar's aggregate classification.

Dr. Peter K. Rogan Lab, Western University
No classification provided (evidence only). Condition: Sarcoma. Review status: no classification provided. Collection method: in vitro. Allele origin: not applicable. Functional consequence: retained intron. Not counted in ClinVar's aggregate classification.

Dr. Peter K. Rogan Lab, Western University
No classification provided (evidence only). Condition: Sarcoma. Review status: no classification provided. Collection method: in vitro. Allele origin: not applicable. Functional consequence: retained intron. Not counted in ClinVar's aggregate classification.

Dr. Peter K. Rogan Lab, Western University
No classification provided (evidence only). Condition: Malignant lymphoma, large B-cell, diffuse. Review status: no classification provided. Collection method: in vitro. Allele origin: not applicable. Functional consequence: retained intron. Not counted in ClinVar's aggregate classification.

Dr. Peter K. Rogan Lab, Western University
No classification provided (evidence only). Condition: Nonpapillary renal cell carcinoma. Review status: no classification provided. Collection method: in vitro. Allele origin: not applicable. Functional consequence: retained intron. Not counted in ClinVar's aggregate classification.

Dr. Peter K. Rogan Lab, Western University
No classification provided (evidence only). Condition: Thymoma. Review status: no classification provided. Collection method: in vitro. Allele origin: not applicable. Functional consequence: retained intron. Not counted in ClinVar's aggregate classification.

Dr. Peter K. Rogan Lab, Western University
No classification provided (evidence only). Condition: Thymoma. Review status: no classification provided. Collection method: in vitro. Allele origin: not applicable. Functional consequence: retained intron. Not counted in ClinVar's aggregate classification.

Dr. Peter K. Rogan Lab, Western University
No classification provided (evidence only). Condition: Cholangiocarcinoma. Review status: no classification provided. Collection method: in vitro. Allele origin: not applicable. Functional consequence: retained intron. Not counted in ClinVar's aggregate classification.

Dr. Peter K. Rogan Lab, Western University
No classification provided (evidence only). Condition: Ovarian serous cystadenocarcinoma. Review status: no classification provided. Collection method: in vitro. Allele origin: not applicable. Functional consequence: retained intron. Not counted in ClinVar's aggregate classification.

Dr. Peter K. Rogan Lab, Western University
No classification provided (evidence only). Condition: Ovarian serous cystadenocarcinoma. Review status: no classification provided. Collection method: in vitro. Allele origin: not applicable. Functional consequence: retained intron. Not counted in ClinVar's aggregate classification.

Dr. Peter K. Rogan Lab, Western University
No classification provided (evidence only). Condition: Ovarian serous cystadenocarcinoma. Review status: no classification provided. Collection method: in vitro. Allele origin: not applicable. Functional consequence: retained intron. Not counted in ClinVar's aggregate classification.

Dr. Peter K. Rogan Lab, Western University
No classification provided (evidence only). Condition: Ovarian serous cystadenocarcinoma. Review status: no classification provided. Collection method: in vitro. Allele origin: not applicable. Functional consequence: retained intron. Not counted in ClinVar's aggregate classification.

Dr. Peter K. Rogan Lab, Western University
No classification provided (evidence only). Condition: Ovarian serous cystadenocarcinoma. Review status: no classification provided. Collection method: in vitro. Allele origin: not applicable. Functional consequence: retained intron. Not counted in ClinVar's aggregate classification.